The following is an entry in ClinVar:

ClinVar aggregate classification (germline): Pathogenic (1 of 4 stars; one submission).

Submission:

Labcorp Genetics (formerly Invitae), Labcorp
Classification: Pathogenic. Last evaluated: 2025-10-26. Review status: criteria provided, single submitter. Criteria: Invitae Variant Classification Sherloc (09022015). Collection method: clinical testing. Allele origin: germline.
Comment: This sequence change creates a premature translational stop signal (p.Val769*) in the MSH3 gene. It is expected to result in an absent or disrupted protein product. Loss-of-function variants in MSH3 are known to be pathogenic (PMID: 27476653, 37402566). This variant is not present in population databases (gnomAD no frequency). This premature translational stop signal has been observed in individual(s) with breast cancer (PMID: 25927356). ClinVar contains an entry for this variant (Variation ID: 2734734). For these reasons, this variant has been classified as Pathogenic.

Literature cited by the submitters: PubMed 27476653; PubMed 37402566; PubMed 25927356.

NM_002439.5(MSH3):c.2305del (p.Trp768_Val769insTer)

Gene: MSH3 (mutS homolog 3; plus strand). Cytogenetic location: 5q14.1.
Variant type: Deletion.
Coding change: c.2305del on transcript NM_002439.5 (MANE Select); coding-DNA position 2305, one base deleted (G; older notation c.2305delG).
Protein change: p.Trp768_Val769insTer.
Molecular consequence: nonsense.
Genome position (GRCh38, 1-based): chr5:80,775,745, G deleted; the last of 3 consecutive G bases (chr5:80,775,743-80,775,745); deleting any one gives the same sequence. VCF-style (leftmost placement, unchanged base first): chr5-80775742-TG-T. GRCh37 (hg19) VCF-style: chr5-80071561-TG-T.
Identifiers: ClinVar variation 2734734 (VCV002734734.3), dbSNP rs2546777891, ClinGen allele CA2695204704.